The following is an entry in ClinVar:

ClinVar aggregate classification (germline): Conflicting classifications of pathogenicity. Review status: criteria provided, conflicting classifications (1 of 4 stars). 6 submissions from 6 submitters: Likely pathogenic (2); Uncertain significance (3). 1 of the submissions does not count toward it. Last evaluated 2025-10-24.

Conditions:
Malignant hyperthermia, susceptibility to, 1 (MHS1). Also called: Anesthesia related hyperthermia; Malignant hyperpyrexia; Fulminating hyperpyrexia; Pharmacogenic myopathy; RYR1-Related Malignant Hyperthermia Susceptibility; Malignant hyperthermia suceptibility 1. Identifiers: Orphanet 423, MedGen C2930980, MONDO:0007783, OMIM 145600.
Central core myopathy (CMYO1A). Also called: Central core disease; Myopathy, central fibrillar; CONGENITAL MYOPATHY 1A, AUTOSOMAL DOMINANT, WITH SUSCEPTIBILITY TO MALIGNANT HYPERTHERMIA. Identifiers: Orphanet 597, MedGen C5830701, MONDO:0007294, OMIM 117000.
Congenital myopathy with fiber type disproportion. Also called: Congenital fiber-type disproportion myopathy; Congenital fiber-type disproportion. Identifiers: Orphanet 2020, MedGen C0546264, MONDO:0009711. Inheritance: all.
King Denborough syndrome (KDS). Identifiers: MedGen C1840365, MONDO:0020485, OMIM 619542.
Congenital multicore myopathy with external ophthalmoplegia (CMYO1B). Also called: MULTIMINICORE DISEASE WITH EXTERNAL OPHTHALMOPLEGIA; Congenital myopathy 1B, autosomal recessive; Minicore myopathy; MULTICORE MYOPATHY; Minicore myopathy with external ophthalmoplegia. Identifiers: Orphanet 598, Orphanet 98905, MedGen C1850674, MONDO:0009712, OMIM 255320, HP:0003789.
RYR1-related disorder. Also called: RYR1-related condition; RYR1-related disorders. Identifiers: MedGen CN239331.

Allele frequency attached by ClinVar (database versions not stated): TOPMed 0.00002.
gnomAD v4.1: 10 of 1,612,794 alleles (0.00062%); highest among the groups gnomAD compares: South Asian, 0.0011%; no homozygotes.

Submissions (6):

GeneDx
Classification: Likely pathogenic. Last evaluated: 2025-10-24. Review status: criteria provided, single submitter. Criteria: GeneDx Variant Classification Process June 2021. Collection method: clinical testing. Allele origin: germline. Affected: yes.
Comment: Not observed at significant frequency in large population cohorts (gnomAD); In silico analysis supports that this missense variant has a deleterious effect on protein structure/function; This variant is associated with the following publications: (PMID: 30611313, 34740920)

All of Us Research Program, National Institutes of Health
Classification: Uncertain significance for Malignant hyperthermia, susceptibility to, 1. Last evaluated: 2023-11-20. Review status: criteria provided, single submitter. Criteria: ACMG Guidelines, 2015. Collection method: clinical testing. Allele origin: germline. Inheritance: Autosomal dominant inheritance. Observed: 1 variant allele, 1 heterozygote.
Comment: This missense variant replaces arginine with tryptophan at codon 682 of the RYR1 protein. Computational prediction is inconclusive regarding the impact of this variant on protein structure and function (internally defined REVEL score threshold 0.5 < inconclusive < 0.7, PMID: 27666373). To our knowledge, functional studies have not been reported for this variant. This variant has not been reported in individuals affected with autosomal dominant malignant hyperthermia susceptibility in the literature but has been observed in an individual with core-rod myopathy (PMID: 30611313). This variant has been identified in 3/250824 chromosomes in the general population by the Genome Aggregation Database (gnomAD). The available evidence is insufficient to determine the role of this variant in disease conclusively. Therefore, this variant is classified as a Variant of Uncertain Significance for malignant hyperthermia susceptibility.

This study involves interpretation of variants in research participants for the purpose of population health screening. Participant phenotype was not available at the time of variant classification. Additional details can be found in publication PMID: 35346344, PMCID: PMC8962531

Labcorp Genetics (formerly Invitae), Labcorp
Classification: Likely pathogenic for RYR1-related disorder. Last evaluated: 2023-07-17. Review status: criteria provided, single submitter. Criteria: Invitae Variant Classification Sherloc (09022015). Collection method: clinical testing. Allele origin: germline.
Comment: In summary, the currently available evidence indicates that the variant is pathogenic, but additional data are needed to prove that conclusively. Therefore, this variant has been classified as Likely Pathogenic. This variant disrupts the p.Arg682 amino acid residue in RYR1. Other variant(s) that disrupt this residue have been determined to be pathogenic (PMID: 31127727, 34411415, 35081925). This suggests that this residue is clinically significant, and that variants that disrupt this residue are likely to be disease-causing. Advanced modeling of protein sequence and biophysical properties (such as structural, functional, and spatial information, amino acid conservation, physicochemical variation, residue mobility, and thermodynamic stability) performed at Invitae indicates that this missense variant is expected to disrupt RYR1 protein function. ClinVar contains an entry for this variant (Variation ID: 813941). This missense change has been observed in individual(s) with autosomal recessive RYR1-related conditions (PMID: 30611313). This variant is present in population databases (rs776252106, gnomAD 0.007%). This sequence change replaces arginine, which is basic and polar, with tryptophan, which is neutral and slightly polar, at codon 682 of the RYR1 protein (p.Arg682Trp).

Fulgent Genetics
Classification: Uncertain significance for Central core myopathy; Malignant hyperthermia, susceptibility to, 1; Congenital myopathy 4A, autosomal dominant; Congenital multicore myopathy with external ophthalmoplegia; King Denborough syndrome. Last evaluated: 2021-11-09. Review status: criteria provided, single submitter. Criteria: ACMG Guidelines, 2015. Collection method: clinical testing. Allele origin: unknown.

Broad Center for Mendelian Genomics, Broad Institute of MIT and Harvard
Classification: Uncertain significance for Central core myopathy. Last evaluated: 2018-12-03. Review status: criteria provided, single submitter. Criteria: ACMG Guidelines, 2015. Collection method: research. Allele origin: germline. Inheritance: Autosomal recessive inheritance. Affected: yes.
Comment: This variant has been identified in 0.001221% (3/245672) of chromosomes by the Genome Aggregation Database (gnomAD; dbSNP rs776252106). Although this variant has been seen in the general population, its frequency is low enough to be consistent with a recessive carrier frequency. Computational prediction tools suggest that this variant may impact the protein, though this information is not predictive enough to determine pathogenicity. The RYR1 gene has a low rate of benign missense variants, raising the possibility that a change in this gene may not be tolerated. In summary, the clinical significance of the p.Arg682Trp variant is uncertain. ACMG/AMP Criteria applied: PM2, PP2, PP3 (Richards 2015).

PreventionGenetics, part of Exact Sciences
Classification: Uncertain significance for RYR1-related condition. Last evaluated: 2024-01-22. Review status: no assertion criteria provided. Collection method: clinical testing. Allele origin: germline. Not counted in ClinVar's aggregate classification.
Comment: The RYR1 c.2044C>T variant is predicted to result in the amino acid substitution p.Arg682Trp. This variant was reported with a second RYR1 variant in two individuals with RYR1-related myopathy (Garibaldi et al 2019. PubMed ID: 30611313; Table S2, Cloney et al. 2022. PubMed ID: 34740920). Other substitutions of this amino acid (p.Arg682Gly, p.Arg682Gln) have also been reported with a second RYR1 in other cases of RYR1-related myopathy (Mellis et al 2022. PubMed ID: 34411415; Zhang et al 2022. PubMed ID: 35081925). This variant is reported in 0.0062% of alleles in individuals of African descent in gnomAD. Although we suspect that this variant may be pathogenic for autosomal recessive RYR1-related disorders, at this time, the clinical significance of this variant is uncertain due to the absence of conclusive functional and genetic evidence.

Literature cited by the submitters: PubMed 30611313 (cited by All of Us Research Program, National Institutes of Health and Labcorp Genetics (formerly Invitae), Labcorp); PubMed 31127727 (cited by Labcorp Genetics (formerly Invitae), Labcorp); PubMed 34411415 (cited by Labcorp Genetics (formerly Invitae), Labcorp); PubMed 35081925 (cited by Labcorp Genetics (formerly Invitae), Labcorp).

NM_000540.3(RYR1):c.2044C>T (p.Arg682Trp)

Gene: RYR1 (ryanodine receptor 1; plus strand). Cytogenetic location: 19q13.2.
Variant type: single nucleotide variant.
Coding change: c.2044C>T on transcript NM_000540.3 (MANE Select); coding-DNA position 2044, C replaced by T.
Protein change: p.Arg682Trp; replaces arginine 682 with tryptophan.
Molecular consequence: missense variant.
Genome position (GRCh38, 1-based): chr19:38,458,169, C>T. VCF-style: chr19-38458169-C-T. GRCh37 (hg19) VCF-style: chr19-38948809-C-T.
Other names: c.2044C>T, p.Arg682Trp (NM_001042723.2); short protein forms R682W.
Identifiers: ClinVar variation 813941 (VCV000813941.18), dbSNP rs776252106, ClinGen allele CA062775.